The following is an entry in ClinVar:

ClinVar aggregate classification (germline): Benign (1 of 4 stars; one submission).

Allele frequency attached by ClinVar (database versions not stated): 1000 Genomes Project 30x 0.00016; 1000 Genomes Project 0.00020; TOPMed 0.00148; gnomAD 0.00155.
gnomAD v4.1: 236 of 152,354 alleles (0.15%); highest among the groups gnomAD compares: Middle Eastern, 1.7%; no homozygotes.

Submission:

CeGaT Center for Human Genetics Tuebingen
Classification: Benign. Last evaluated: 2022-04-01. Review status: criteria provided, single submitter. Criteria: CeGaT Center For Human Genetics Tuebingen Variant Classification Criteria Version 2. Collection method: clinical testing. Allele origin: germline. Affected: yes. Observed: 1 variant allele.
Comment: PKD2: BS1, BS2

NM_000297.4(PKD2):c.710-4539T>C

Gene: PKD2 (polycystin 2, transient receptor potential cation channel; plus strand). Cytogenetic location: 4q22.1.
Variant type: single nucleotide variant.
Coding change: c.710-4539T>C on transcript NM_000297.4 (MANE Select); 4539 bases into the intron before coding-DNA position 710, T replaced by C.
Molecular consequence: intron variant.
Genome position (GRCh38, 1-based): chr4:88,031,681, T>C. VCF-style: chr4-88031681-T-C. GRCh37 (hg19) VCF-style: chr4-88952833-T-C.
Identifiers: ClinVar variation 2654936 (VCV002654936.24), dbSNP rs558604136, ClinGen allele CA100888908.